The following is an entry in ClinVar:

NM_004415.4(DSP):c.328T>C (p.Cys110Arg)

Gene: DSP (desmoplakin; plus strand). Cytogenetic location: 6p24.3.
Variant type: single nucleotide variant.
Coding change: c.328T>C on transcript NM_004415.4 (MANE Select); coding-DNA position 328, T replaced by C.
Protein change: p.Cys110Arg; replaces cysteine 110 with arginine.
Molecular consequence: missense variant.
Genome position (GRCh38, 1-based): chr6:7,558,170, T>C. VCF-style: chr6-7558170-T-C. GRCh37 (hg19) VCF-style: chr6-7558403-T-C.
Other names: c.328T>C, p.Cys110Arg (NM_001008844.3, NM_001319034.2); c.328T>C (LRG_423t1); short protein forms C110R.
Identifiers: ClinVar variation 465891 (VCV000465891.9), dbSNP rs1554105823, ClinGen allele CA362671210.

ClinVar aggregate classification (germline): Uncertain significance (1 of 4 stars; one submission).

Conditions:
Arrhythmogenic right ventricular dysplasia 8 (ARVD8). Also called: Arrhythmogenic Right Ventricular Dysplasia/Cardiomyopathy 8; ARRHYTHMOGENIC RIGHT VENTRICULAR DYSPLASIA, FAMILIAL, 8; ARRHYTHMOGENIC RIGHT VENTRICULAR CARDIOMYOPATHY 8. Identifiers: MedGen C1843896, MONDO:0011831, OMIM 607450.
Arrhythmogenic cardiomyopathy with wooly hair and keratoderma. Also called: Dilated cardiomyopathy with woolly hair and keratoderma; Arrhythmogenic cardiomyopathy with woolly hair and keratoderma; PALMOPLANTAR KERATODERMA WITH LEFT VENTRICULAR CARDIOMYOPATHY AND WOOLLY HAIR; Carvajal syndrome. Identifiers: Orphanet 65282, MedGen C1854063, MONDO:0011581, OMIM 605676.

Submission:

Labcorp Genetics (formerly Invitae), Labcorp
Classification: Uncertain significance for Arrhythmogenic cardiomyopathy with wooly hair and keratoderma; Arrhythmogenic right ventricular dysplasia 8. Last evaluated: 2022-09-27. Review status: criteria provided, single submitter. Criteria: Invitae Variant Classification Sherloc (09022015). Collection method: clinical testing. Allele origin: germline.
Comment: This sequence change replaces cysteine, which is neutral and slightly polar, with arginine, which is basic and polar, at codon 110 of the DSP protein (p.Cys110Arg). This variant is not present in population databases (gnomAD no frequency). This variant has not been reported in the literature in individuals affected with DSP-related conditions. ClinVar contains an entry for this variant (Variation ID: 465891). Algorithms developed to predict the effect of missense changes on protein structure and function (SIFT, PolyPhen-2, Align-GVGD) all suggest that this variant is likely to be tolerated. In summary, the available evidence is currently insufficient to determine the role of this variant in disease. Therefore, it has been classified as a Variant of Uncertain Significance.